The following is an entry in ClinVar:

ClinVar aggregate classification (germline): Likely benign (1 of 4 stars; one submission).

Allele frequency attached by ClinVar (database versions not stated): 1000 Genomes Project 30x 0.00016; TOPMed 0.00035; gnomAD 0.00106 and 0.00113.
gnomAD v4.1: 159 of 152,270 alleles (0.1%); highest among the groups gnomAD compares: Non-Finnish European, 0.17%; 2 homozygotes.

Submission:

CeGaT Center for Human Genetics Tuebingen
Classification: Likely benign. Last evaluated: 2026-09-01. Review status: criteria provided, single submitter. Criteria: CeGaT Center For Human Genetics Tuebingen Variant Classification Criteria Version 2. Collection method: clinical testing. Allele origin: germline. Affected: yes. Observed: 6 variant alleles.
Comment: FGFR1: BS1

NM_023110.3(FGFR1):c.-88-4999A>G

Gene: FGFR1 (fibroblast growth factor receptor 1; minus strand). Cytogenetic location: 8p11.23.
Variant type: single nucleotide variant.
Coding change: c.-88-4999A>G on transcript NM_023110.3 (MANE Select); 4999 bases into the intron before 88 bases upstream of the start codon, A replaced by G.
Molecular consequence: intron variant.
Genome position (GRCh38, 1-based): chr8:38,462,533, T>C on the plus strand (A>G on the coding strand, the complement: FGFR1 is on the minus strand). VCF-style: chr8-38462533-T-C. GRCh37 (hg19) VCF-style: chr8-38320051-T-C.
Other names: c.-88-4999A>G (NM_001354368.2, NM_001354370.2, NM_023106.3 and 7 more transcripts); c.-180-4999A>G (NM_001174064.2); c.-149-1278A>G (NM_001174067.2).
Identifiers: ClinVar variation 1695228 (VCV001695228.31), dbSNP rs777999148, ClinGen allele CA175775084.